The following is an entry in ClinVar:

NM_022114.4(PRDM16):c.911C>T (p.Thr304Met)

Gene: PRDM16 (PR/SET domain 16; plus strand). Cytogenetic location: 1p36.32.
Variant type: single nucleotide variant.
Coding change: c.911C>T on transcript NM_022114.4 (MANE Select); coding-DNA position 911, C replaced by T.
Protein change: p.Thr304Met; replaces threonine 304 with methionine.
Molecular consequence: missense variant.
Genome position (GRCh38, 1-based): chr1:3,404,765, C>T. VCF-style: chr1-3404765-C-T. GRCh37 (hg19) VCF-style: chr1-3321329-C-T.
Other names: c.911C>T, p.Thr304Met (NM_199454.3); short protein forms T304M.
Identifiers: ClinVar variation 1349023 (VCV001349023.10), dbSNP rs377547823, ClinGen allele CA544026.

ClinVar aggregate classification (germline): Uncertain significance. Review status: criteria provided, multiple submitters, no conflicts (2 of 4 stars). 2 submissions from 2 submitters: Uncertain significance (2). Last evaluated 2025-12-01.

Conditions:
Left ventricular noncompaction 8 (LVNC8). Identifiers: Orphanet 154, Orphanet 54260, MedGen C3809288, MONDO:0014152, OMIM 615373.

Allele frequency attached by ClinVar (database versions not stated): gnomAD exomes 0.00002 and 0.00001; TOPMed 0.00002; ExAC 0.00003; gnomAD 0.00001; ESP Exome Variant Server 0.00008.
gnomAD v4.1: 21 of 1,613,414 alleles (0.0013%); highest among the groups gnomAD compares: Non-Finnish European, 0.0016%; no homozygotes.

Submissions (2):

Labcorp Genetics (formerly Invitae), Labcorp
Classification: Uncertain significance for Left ventricular noncompaction 8. Last evaluated: 2025-12-01. Review status: criteria provided, single submitter. Criteria: Invitae Variant Classification Sherloc (09022015). Collection method: clinical testing. Allele origin: germline.
Comment: This sequence change replaces threonine, which is neutral and polar, with methionine, which is neutral and non-polar, at codon 304 of the PRDM16 protein (p.Thr304Met). This variant is present in population databases (rs377547823, gnomAD 0.007%). This variant has not been reported in the literature in individuals affected with PRDM16-related conditions. ClinVar contains an entry for this variant (Variation ID: 1349023). An algorithm developed to predict the effect of missense changes on protein structure and function (PolyPhen-2) suggests that this variant is likely to be disruptive. In summary, the available evidence is currently insufficient to determine the role of this variant in disease. Therefore, it has been classified as a Variant of Uncertain Significance.

Laboratorio de Genetica e Diagnostico Molecular, Hospital Israelita Albert Einstein
Classification: Uncertain significance. Last evaluated: 2020-12-17. Review status: criteria provided, single submitter. Criteria: ACMG Guidelines, 2015. Collection method: clinical testing. Allele origin: germline. Affected: yes.
Comment: ACMG classification criteria: BP4